The following is an entry in ClinVar:

NM_001195553.2(DCX):c.137T>C (p.Leu46Pro)

Gene: DCX (doublecortin; minus strand). Cytogenetic location: Xq23.
Variant type: single nucleotide variant.
Coding change: c.137T>C on transcript NM_001195553.2 (MANE Select); coding-DNA position 137, T replaced by C.
Protein change: p.Leu46Pro; replaces leucine 46 with proline.
Molecular consequence: missense variant.
Genome position (GRCh38, 1-based): chrX:111,410,262, A>G on the plus strand (T>C on the coding strand, the complement: DCX is on the minus strand). VCF-style: chrX-111410262-A-G. GRCh37 (hg19) VCF-style: chrX-110653490-A-G.
Other names: c.380T>C, p.Leu127Pro (NM_000555.3); c.137T>C, p.Leu46Pro (NM_001369370.1, NM_001369371.1, NM_001369372.1 and 6 more transcripts); short protein forms L46P, L127P.
Identifiers: ClinVar variation 3710700 (VCV003710700.2).

ClinVar aggregate classification (germline): Uncertain significance (1 of 4 stars; one submission).

Submission:

Labcorp Genetics (formerly Invitae), Labcorp
Classification: Uncertain significance. Last evaluated: 2024-10-04. Review status: criteria provided, single submitter. Criteria: Invitae Variant Classification Sherloc (09022015). Collection method: clinical testing. Allele origin: germline.
Comment: This sequence change replaces leucine, which is neutral and non-polar, with proline, which is neutral and non-polar, at codon 46 of the DCX protein (p.Leu46Pro). This variant is not present in population databases (gnomAD no frequency). This variant has not been reported in the literature in individuals affected with DCX-related conditions. Invitae Evidence Modeling of protein sequence and biophysical properties (such as structural, functional, and spatial information, amino acid conservation, physicochemical variation, residue mobility, and thermodynamic stability) indicates that this missense variant is expected to disrupt DCX protein function with a positive predictive value of 80%. In summary, the available evidence is currently insufficient to determine the role of this variant in disease. Therefore, it has been classified as a Variant of Uncertain Significance.